The following is an entry in ClinVar:

NM_152564.5(VPS13B):c.4396G>T (p.Glu1466Ter)

Gene: VPS13B (vacuolar protein sorting 13 homolog B; plus strand). Cytogenetic location: 8q22.2.
Variant type: single nucleotide variant.
Coding change: c.4396G>T on transcript NM_152564.5 (MANE Select); coding-DNA position 4396, G replaced by T.
Protein change: p.Glu1466Ter; replaces glutamic acid 1466 with a stop codon.
Molecular consequence: nonsense.
Genome position (GRCh38, 1-based): chr8:99,511,275, G>T. VCF-style: chr8-99511275-G-T. GRCh37 (hg19) VCF-style: chr8-100523503-G-T.
Other names: c.4471G>T, p.Glu1491Ter (NM_017890.5); c.4396G>T (NM_152564.4); short protein forms E1491*, E1466*.
Identifiers: ClinVar variation 2822 (VCV000002822.17), dbSNP rs120074151, ClinGen allele CA252433.
Genomic context (GRCh38, chr8:99,511,275, plus strand): 5'-CGAAGAAGTTTTCATAAGTTATCTGAAGGCCTAATGGATGGTTCTCCTCATTTTCTTCAT[G>T]AAATTCTTCTTTCAGCACAAGCTTTTGATATTGTTCTTTATTTTCCTTTACTTAATGCCA-3'

ClinVar aggregate classification (germline): Pathogenic. Review status: criteria provided, multiple submitters, no conflicts (2 of 4 stars). 8 submissions from 8 submitters: Pathogenic (6). 2 of the submissions do not count toward it. Last evaluated 2025-12-05.

Conditions:
VPS13B-related disorder. Also called: VPS13B-related condition.
Cohen syndrome (COH1). Also called: Cutis verticis gyrata, retinitis pigmentosa, and sensorineural deafness; PEPPER SYNDROME. Identifiers: Orphanet 193, MedGen C0265223, MONDO:0008999, OMIM 216550.

Allele frequency attached by ClinVar (database versions not stated): gnomAD exomes 0.00001; TOPMed 0.00002; gnomAD 0.00003 and 0.00004.
gnomAD v4.1: 26 of 1,613,930 alleles (0.0016%); highest among the groups gnomAD compares: Non-Finnish European, 0.0022%; no homozygotes.

Submissions (8):

PreventionGenetics, part of Exact Sciences
Classification: Pathogenic for VPS13B-related condition. Last evaluated: 2025-12-05. Review status: criteria provided, single submitter. Criteria: ACMG Guidelines, 2015. Collection method: clinical testing. Allele origin: germline.
Comment: The VPS13B c.4396G>T variant is predicted to result in premature protein termination (p.Glu1466*). This variant has been reported in the homozygous state in two individuals with Cohen syndrome (referred c.4471G>T, p.Glu1491* on the alternate transcript NM_017890, Kolehmainen et al. 2004. PubMed ID: 15141358). This variant is reported in 0.00088% of alleles in individuals of European (Non-Finnish) descent in gnomAD. Nonsense variants in VPS13B are expected to be pathogenic. This variant is interpreted as pathogenic.

Natera, Inc.
Classification: Pathogenic for Cohen syndrome. Last evaluated: 2025-10-11. Review status: criteria provided, single submitter. Criteria: Natera Variant Classification Schema (03/2026). Collection method: clinical testing. Allele origin: germline.
Comment: The c.4471G>T variant in VPS13B is a nonsense variant predicted to introduce a stop codon at amino acid 1491. This variant is expected to result in nonsense mediated decay, truncation, or a dysfunctional protein product. This variant is rare in the general population with a frequency below the threshold expected for the associated phenotype(s). This variant has been observed in one or more individuals affected with the associated recessive disease, as either homozygous or compound heterozygous with a second variant (PMID: 15141358). Additionally, this variant has been observed to segregate in affected family members (PMID: 15141358). Given the available evidence, this variant is classified as Pathogenic.

Labcorp Genetics (formerly Invitae), Labcorp
Classification: Pathogenic for Cohen syndrome. Last evaluated: 2025-08-19. Review status: criteria provided, single submitter. Criteria: Invitae Variant Classification Sherloc (09022015). Collection method: clinical testing. Allele origin: germline.
Comment: This sequence change creates a premature translational stop signal (p.Glu1491*) in the VPS13B gene. It is expected to result in an absent or disrupted protein product. Loss-of-function variants in VPS13B are known to be pathogenic (PMID: 15141358, 16648375, 20461111). This variant is present in population databases (rs120074151, gnomAD 0.0009%). This premature translational stop signal has been observed in individual(s) with Cohen syndrome (PMID: 15141358). ClinVar contains an entry for this variant (Variation ID: 2822). For these reasons, this variant has been classified as Pathogenic.

Genetics and Molecular Pathology, SA Pathology
Classification: Pathogenic for Cohen syndrome. Last evaluated: 2023-04-26. Review status: criteria provided, single submitter. Criteria: ACMG Guidelines, 2015. Collection method: clinical testing. Allele origin: germline. Affected: yes.

Fulgent Genetics
Classification: Pathogenic for Cohen syndrome. Last evaluated: 2018-10-31. Review status: criteria provided, single submitter. Criteria: ACMG Guidelines, 2015. Collection method: clinical testing. Allele origin: unknown.

Women's Health and Genetics/Laboratory Corporation of America, LabCorp
Classification: Pathogenic for Cohen syndrome. Last evaluated: 2017-06-22. Review status: criteria provided, single submitter. Criteria: LabCorp Variant Classification Summary - May 2015. Collection method: clinical testing. Allele origin: germline.
Comment: Variant summary: The VPS13B c.4471G>T (p.Glu1491X) variant results in a premature termination codon, predicted to cause a truncated or absent VPS13B protein due to nonsense mediated decay, which are commonly known mechanisms for disease. One in silico tool predicts a damaging outcome for this variant. This variant is absent in 121380 control chromosomes. The variant has been reported homozygously in multiple affected individuals and was shown to segregate with the disease in at least two Cohen families. Taken together, this variant is classified as pathogenic.

Counsyl
Classification: Likely pathogenic for Cohen syndrome. Last evaluated: 2015-03-03. Review status: no assertion criteria provided. Collection method: clinical testing. Allele origin: unknown. Not counted in ClinVar's aggregate classification.

OMIM
Classification: Pathogenic for COHEN SYNDROME. Last evaluated: 2004-07-01. Review status: no assertion criteria provided. Collection method: literature only. Allele origin: germline. Not counted in ClinVar's aggregate classification.

Literature cited by the submitters: PubMed 15141358 (cited by 5 submitters); PubMed 16648375 (cited by Labcorp Genetics (formerly Invitae), Labcorp); PubMed 20461111 (cited by Labcorp Genetics (formerly Invitae), Labcorp); PubMed 17786118 (cited by Women's Health and Genetics/Laboratory Corporation of America, LabCorp and Counsyl).